The following is an entry in ClinVar:

ClinVar aggregate classification (germline): Likely benign (0 of 4 stars; one submission).

Conditions:
SLC29A4-related disorder. Also called: SLC29A4-related condition.

Allele frequency attached by ClinVar (database versions not stated): ExAC 0.00008; TOPMed 0.00021; gnomAD 0.00023.
gnomAD v4.1: 76 of 1,571,976 alleles (0.0048%); highest among the groups gnomAD compares: African/African-American, 0.06%; 1 homozygote.

Submission:

PreventionGenetics, part of Exact Sciences
Classification: Likely benign for SLC29A4-related condition. Last evaluated: 2019-04-10. Review status: no assertion criteria provided. Collection method: clinical testing. Allele origin: germline.
Comment: This variant is classified as likely benign based on ACMG/AMP sequence variant interpretation guidelines (Richards et al. 2015 PMID: 25741868, with internal and published modifications).

NM_153247.4(SLC29A4):c.545-4T>C

Gene: SLC29A4 (solute carrier family 29 member 4; plus strand). Cytogenetic location: 7p22.1.
Variant type: single nucleotide variant.
Coding change: c.545-4T>C on transcript NM_153247.4 (MANE Select); 4 bases into the intron before coding-DNA position 545, T replaced by C.
Molecular consequence: intron variant.
Genome position (GRCh38, 1-based): chr7:5,294,856, T>C. VCF-style: chr7-5294856-T-C. GRCh37 (hg19) VCF-style: chr7-5334487-T-C.
Other names: c.545-4T>C (NM_001040661.3); c.508-9T>C (NM_001300847.3).
Identifiers: ClinVar variation 3057275 (VCV003057275.2), dbSNP rs577979866, ClinGen allele CA4142455.